The following is an entry in ClinVar:

NM_001267550.2(TTN):c.57770G>A (p.Arg19257Gln)

Genes: TTN (titin; minus strand), TTN-AS1 (TTN antisense RNA 1; plus strand). Cytogenetic location: 2q31.2.
Variant type: single nucleotide variant.
Coding change: c.57770G>A on transcript NM_001267550.2 (MANE Select); coding-DNA position 57770, G replaced by A.
Protein change: p.Arg19257Gln; replaces arginine 19257 with glutamine.
Molecular consequence: missense variant.
Genome position (GRCh38, 1-based): chr2:178,595,584, C>T on the plus strand (G>A on the coding strand, the complement: TTN is on the minus strand). VCF-style: chr2-178595584-C-T. GRCh37 (hg19) VCF-style: chr2-179460311-C-T.
Other names: c.52847G>A, p.Arg17616Gln (NM_001256850.1); c.30575G>A, p.Arg10192Gln (NM_003319.4); c.50066G>A, p.Arg16689Gln (NM_133378.4); c.30950G>A, p.Arg10317Gln (NM_133432.3); c.31151G>A, p.Arg10384Gln (NM_133437.4); short protein forms R10317Q, R19257Q, R10384Q, R17616Q, R10192Q, R16689Q.
Identifiers: ClinVar variation 180572 (VCV000180572.17), dbSNP rs202076328, ClinGen allele CA346759.

ClinVar aggregate classification (germline): Benign/Likely benign. Review status: criteria provided, multiple submitters, no conflicts (2 of 4 stars). 5 submissions from 5 submitters: Benign (1); Likely benign (4). Last evaluated 2025-12-22.

Conditions:
Cardiovascular phenotype. Identifiers: MedGen CN230736.
TTN-related disorder. Also called: TTN-related condition; TTN-related disease; TTN-related disorders.
Dilated cardiomyopathy 1G (CMD1G). Identifiers: Orphanet 154, MedGen C1858763, MONDO:0011400, OMIM 604145.
Autosomal recessive limb-girdle muscular dystrophy type 2J (LGMDR10). Also called: Limb-girdle muscular dystrophy, type 2J; MUSCULAR DYSTROPHY, LIMB-GIRDLE, AUTOSOMAL RECESSIVE 10. Identifiers: Orphanet 140922, MedGen C1837342, MONDO:0012127, OMIM 608807.

Allele frequency attached by ClinVar (database versions not stated): ESP Exome Variant Server 0.00008; TOPMed 0.00008; gnomAD exomes 0.00022 and 0.00043; gnomAD 0.00030 and 0.00033; ExAC 0.00115.
gnomAD v4.1: 367 of 1,580,790 alleles (0.023%); highest among the groups gnomAD compares: Middle Eastern, 0.017%; 2 homozygotes.

Submissions (5):

Labcorp Genetics (formerly Invitae), Labcorp
Classification: Benign for Dilated cardiomyopathy 1G; Autosomal recessive limb-girdle muscular dystrophy type 2J. Last evaluated: 2025-12-22. Review status: criteria provided, single submitter. Criteria: Invitae Variant Classification Sherloc (09022015). Collection method: clinical testing. Allele origin: germline.

PreventionGenetics, part of Exact Sciences
Classification: Likely benign for TTN-related condition. Last evaluated: 2025-05-22. Review status: criteria provided, single submitter. Criteria: ACMG Guidelines, 2015. Collection method: clinical testing. Allele origin: germline.
Comment: This variant is classified as likely benign based on ACMG/AMP sequence variant interpretation guidelines (Richards et al. 2015 PMID: 25741868, with internal and published modifications).

Blueprint Genetics
Classification: Likely benign. Last evaluated: 2024-11-07. Review status: criteria provided, single submitter. Criteria: ACMG Guidelines, 2015. Collection method: clinical testing. Allele origin: germline.

ARUP Laboratories, Molecular Genetics and Genomics, ARUP Laboratories
Classification: Likely benign. Last evaluated: 2023-11-17. Review status: criteria provided, single submitter. Criteria: ARUP Molecular Germline Variant Investigation Process 2024. Collection method: clinical testing. Allele origin: germline.

Ambry Genetics
Classification: Likely benign for Cardiovascular phenotype. Last evaluated: 2018-03-07. Review status: criteria provided, single submitter. Criteria: Ambry Variant Classification Scheme 2023. Collection method: clinical testing. Allele origin: germline.